The following is an entry in ClinVar:

NM_001100.4(ACTA1):c.996C>A (p.Ile332=)

Gene: ACTA1 (actin alpha 1, skeletal muscle; minus strand). Cytogenetic location: 1q42.13.
Variant type: single nucleotide variant.
Coding change: c.996C>A on transcript NM_001100.4 (MANE Select); coding-DNA position 996, C replaced by A.
Protein change: p.Ile332=; no amino-acid change (isoleucine 332 retained).
Molecular consequence: synonymous variant.
Genome position (GRCh38, 1-based): chr1:229,431,637, G>T on the plus strand (C>A on the coding strand, the complement: ACTA1 is on the minus strand). VCF-style: chr1-229431637-G-T. GRCh37 (hg19) VCF-style: chr1-229567384-G-T.
Other names: p.Ile332=.
Identifiers: ClinVar variation 93555 (VCV000093555.26), dbSNP rs74897770, ClinGen allele CA147051.

ClinVar aggregate classification (germline): Benign/Likely benign. Review status: criteria provided, multiple submitters, no conflicts (2 of 4 stars). 10 submissions from 8 submitters: Benign (7); Likely benign (2). 1 of the submissions does not count toward it. Last evaluated 2026-01-28.

Conditions:
Familial restrictive cardiomyopathy (RCM). Identifiers: Orphanet 217635, MedGen C0340429, MONDO:0016340.
Actin accumulation myopathy (CMYO2A). Also called: CONGENITAL MYOPATHY 2A, TYPICAL, AUTOSOMAL DOMINANT; Nemaline myopathy type 3; Myopathy, actin, congenital, with excess of thin myofilaments; Nemaline myopathy 3, with intranuclear rods; Myopathy, actin, congenital, with cores. Identifiers: Orphanet 98904, MedGen C3711389, MONDO:0008070, OMIM 161800.
Congenital myopathy with fiber type disproportion. Also called: Congenital fiber-type disproportion; Congenital fiber-type disproportion myopathy. Identifiers: Orphanet 2020, MedGen C0546264, MONDO:0009711. Inheritance: all.

Allele frequency attached by ClinVar (database versions not stated): gnomAD exomes 0.00165 and 0.00431; ExAC 0.00523; gnomAD 0.01792 and 0.01920; TOPMed 0.01929; ESP Exome Variant Server 0.01961; 1000 Genomes Project 0.01977; 1000 Genomes Project 30x 0.02186.
gnomAD v4.1: 5,231 of 1,613,834 alleles (0.32%); highest among the groups gnomAD compares: African/African-American, 6.3%; 164 homozygotes.

Submissions (10):

Labcorp Genetics (formerly Invitae), Labcorp
Classification: Benign for Actin accumulation myopathy. Last evaluated: 2026-01-28. Review status: criteria provided, single submitter. Criteria: Invitae Variant Classification Sherloc (09022015). Collection method: clinical testing. Allele origin: germline.

Mayo Clinic Laboratories, Mayo Clinic
Classification: Benign. Last evaluated: 2018-04-04. Review status: criteria provided, single submitter. Criteria: ACMG Guidelines, 2015. Collection method: clinical testing. Allele origin: germline. Observed: 5 variant alleles.

Illumina Laboratory Services, Illumina
Classification: Benign for Congenital myopathy 4A, autosomal dominant. Last evaluated: 2018-01-13. Review status: criteria provided, single submitter. Criteria: ICSL Variant Classification Criteria 13 December 2019. Collection method: clinical testing. Allele origin: germline.
Comment: This variant was observed in the ICSL laboratory as part of a predisposition screen in an ostensibly healthy population. It had not been previously curated by ICSL or reported in the Human Gene Mutation Database (HGMD: prior to June 1st, 2018), and was therefore a candidate for classification through an automated scoring system. Utilizing variant allele frequency, disease prevalence and penetrance estimates, and inheritance mode, an automated score was calculated to assess if this variant is too frequent to cause the disease. Based on the score and internal cut-off values, a variant classified as benign is not then subjected to further curation. The score for this variant resulted in a classification of benign for this disease.

Illumina Laboratory Services, Illumina
Classification: Benign for Actin accumulation myopathy. Last evaluated: 2018-01-13. Review status: criteria provided, single submitter. Criteria: ICSL Variant Classification Criteria 13 December 2019. Collection method: clinical testing. Allele origin: germline.
Comment: the same text as in the submission from Illumina Laboratory Services, Illumina above.

Illumina Laboratory Services, Illumina
Classification: Likely benign for Familial restrictive cardiomyopathy. Last evaluated: 2018-01-13. Review status: criteria provided, single submitter. Criteria: ICSL Variant Classification Criteria 13 December 2019. Collection method: clinical testing. Allele origin: germline.
Comment: This variant was observed in the ICSL laboratory as part of a predisposition screen in an ostensibly healthy population. It had not been previously curated by ICSL or reported in the Human Gene Mutation Database (HGMD: prior to June 1st, 2018), and was therefore a candidate for classification through an automated scoring system. Utilizing variant allele frequency, disease prevalence and penetrance estimates, and inheritance mode, an automated score was calculated to assess if this variant is too frequent to cause the disease. Based on the score and internal cut-off values, a variant classified as likely benign is not then subjected to further curation. The score for this variant resulted in a classification of likely benign for this disease.

GeneDx
Classification: Benign. Last evaluated: 2017-11-15. Review status: criteria provided, single submitter. Criteria: GeneDx Variant Classification (06012015). Collection method: clinical testing. Allele origin: germline. Affected: yes.
Comment: This variant is considered likely benign or benign based on one or more of the following criteria: it is a conservative change, it occurs at a poorly conserved position in the protein, it is predicted to be benign by multiple in silico algorithms, and/or has population frequency not consistent with disease.

Eurofins Ntd Llc (ga)
Classification: Benign. Last evaluated: 2013-05-28. Review status: criteria provided, single submitter. Criteria: EGL Classification Definitions 2015. Collection method: clinical testing. Allele origin: germline. Observed: 2 variant alleles, 2 heterozygotes.

Breakthrough Genomics
Classification: Likely benign. Review status: criteria provided, single submitter. Criteria: ACMG Guidelines, 2015. Collection method: not provided. Allele origin: germline. Inheritance: Autosomal recessive inheritance. Affected: yes.

PreventionGenetics, part of Exact Sciences
Classification: Benign. Review status: criteria provided, single submitter. Criteria: ACMG Guidelines, 2015. Collection method: clinical testing. Allele origin: germline.

Genetic Services Laboratory, University of Chicago
Classification: Likely benign for AllHighlyPenetrant. Review status: no assertion criteria provided. Collection method: clinical testing. Allele origin: germline. Not counted in ClinVar's aggregate classification.
Comment: Likely benign based on allele frequency in 1000 Genomes Project or ESP global frequency and its presence in a patient with a rare or unrelated disease phenotype. NOT Sanger confirmed.